The following is an entry in ClinVar:

NM_000059.4(BRCA2):c.523C>G (p.Gln175Glu)

Gene: BRCA2 (BRCA2 DNA repair associated; plus strand). Cytogenetic location: 13q13.1.
Variant type: single nucleotide variant.
Coding change: c.523C>G on transcript NM_000059.4 (MANE Select); coding-DNA position 523, C replaced by G.
Protein change: p.Gln175Glu; replaces glutamine 175 with glutamic acid.
Molecular consequence: missense variant.
Genome position (GRCh38, 1-based): chr13:32,326,505, C>G. VCF-style: chr13-32326505-C-G. GRCh37 (hg19) VCF-style: chr13-32900642-C-G.
Other names: short protein forms Q175E.
Identifiers: ClinVar variation 863989 (VCV000863989.1), dbSNP rs750385844, ClinGen allele CA387757793.

ClinVar aggregate classification (germline): Uncertain significance (1 of 4 stars; one submission).

Conditions:
Hereditary breast ovarian cancer syndrome. Also called: Hereditary breast and ovarian cancer syndrome; Hereditary breast and/or ovarian cancer syndrome; Hereditary breast and ovarian cancer syndrome (HBOC); Breast and ovarian cancer; Hereditary breast and ovarian cancer; BRCA1- and BRCA2-Associated Hereditary Breast and Ovarian Cancer. Identifiers: Orphanet 145, MedGen C0677776, MeSH D061325, MONDO:0003582. Disease mechanism: loss of function.

Submission:

Labcorp Genetics (formerly Invitae), Labcorp
Classification: Uncertain significance for Hereditary breast and ovarian cancer syndrome. Last evaluated: 2019-01-22. Review status: criteria provided, single submitter. Criteria: Invitae Variant Classification Sherloc (09022015). Collection method: clinical testing. Allele origin: germline.
Comment: This sequence change replaces glutamine with glutamic acid at codon 175 of the BRCA2 protein (p.Gln175Glu). The glutamine residue is weakly conserved and there is a small physicochemical difference between glutamine and glutamic acid. This variant is not present in population databases (ExAC no frequency). This variant has not been reported in the literature in individuals with BRCA2-related conditions. Algorithms developed to predict the effect of missense changes on protein structure and function (SIFT, PolyPhen-2, Align-GVGD) all suggest that this variant is likely to be tolerated, but these predictions have not been confirmed by published functional studies and their clinical significance is uncertain. In summary, the available evidence is currently insufficient to determine the role of this variant in disease. Therefore, it has been classified as a Variant of Uncertain Significance.